The following is an entry in ClinVar:

NM_001270508.2(TNFAIP3):c.929T>C (p.Ile310Thr)

Gene: TNFAIP3 (TNF alpha induced protein 3; plus strand). Cytogenetic location: 6q23.3.
Variant type: single nucleotide variant.
Coding change: c.929T>C on transcript NM_001270508.2 (MANE Select); coding-DNA position 929, T replaced by C.
Protein change: p.Ile310Thr; replaces isoleucine 310 with threonine.
Molecular consequence: missense variant.
Genome position (GRCh38, 1-based): chr6:137,877,199, T>C. VCF-style: chr6-137877199-T-C. GRCh37 (hg19) VCF-style: chr6-138198336-T-C.
Other names: c.929T>C, p.Ile310Thr (NM_001270507.2, NM_006290.4); short protein forms I310T.
Identifiers: ClinVar variation 1447456 (VCV001447456.8), dbSNP rs530310566, ClinGen allele CA4019545.

ClinVar aggregate classification (germline): Uncertain significance. Review status: criteria provided, multiple submitters, no conflicts (2 of 4 stars). 2 submissions from 2 submitters: Uncertain significance (2). Last evaluated 2024-10-29.

Conditions:
Autoinflammatory syndrome, familial, Behcet-like 1 (AIFBL1). Also called: Haploinsufficiency of A20. Identifiers: Orphanet 674762, MedGen C4225218, MONDO:0800045, OMIM 616744.

Allele frequency attached by ClinVar (database versions not stated): TOPMed 0.00001; gnomAD 0.00002; ExAC 0.00001; gnomAD exomes 0.00001.

Submissions (2):

Labcorp Genetics (formerly Invitae), Labcorp
Classification: Uncertain significance. Last evaluated: 2024-10-29. Review status: criteria provided, single submitter. Criteria: Invitae Variant Classification Sherloc (09022015). Collection method: clinical testing. Allele origin: germline.
Comment: This sequence change replaces isoleucine, which is neutral and non-polar, with threonine, which is neutral and polar, at codon 310 of the TNFAIP3 protein (p.Ile310Thr). The frequency data for this variant in the population databases is considered unreliable, as metrics indicate poor data quality at this position in the gnomAD database. This missense change has been observed in individual(s) with TNFAIP3-related conditions (PMID: 33549127). ClinVar contains an entry for this variant (Variation ID: 1447456). Invitae Evidence Modeling of protein sequence and biophysical properties (such as structural, functional, and spatial information, amino acid conservation, physicochemical variation, residue mobility, and thermodynamic stability) indicates that this missense variant is not expected to disrupt TNFAIP3 protein function with a negative predictive value of 80%. Experimental studies have shown that this missense change does not substantially affect TNFAIP3 function (PMID: 33549127). In summary, the available evidence is currently insufficient to determine the role of this variant in disease. Therefore, it has been classified as a Variant of Uncertain Significance.

Laboratorio de Genetica e Diagnostico Molecular, Hospital Israelita Albert Einstein
Classification: Uncertain significance for Autoinflammatory syndrome, familial, Behcet-like 1. Last evaluated: 2022-07-13. Review status: criteria provided, single submitter. Criteria: ACMG Guidelines, 2015. Collection method: clinical testing. Allele origin: germline. Affected: yes. Observed: 1 variant allele.
Comment: ACMG classification criteria: PM2 moderated, BP4 supporting

Literature cited by the submitters: PubMed 33549127 (cited by Labcorp Genetics (formerly Invitae), Labcorp).